The following is an entry in ClinVar:

ClinVar aggregate classification (germline): Likely pathogenic (1 of 4 stars; one submission).

Conditions:
Severe X-linked myotubular myopathy (CNMX). Also called: MYOTUBULAR MYOPATHY 1; X-linked centronuclear myopathy; Myotubular myopathy, X-linked. Identifiers: Orphanet 596, MedGen C0410203, MONDO:0010683, OMIM 310400.

Submission:

Women's Health and Genetics/Laboratory Corporation of America, LabCorp
Classification: Likely pathogenic for Severe X-linked myotubular myopathy. Last evaluated: 2025-10-20. Review status: criteria provided, single submitter. Criteria: LabCorp Variant Classification Summary - May 2015. Collection method: clinical testing. Allele origin: germline.
Comment: Variant summary: MTM1 c.529-2A>C is located in a canonical splice-site and is predicted to affect mRNA splicing resulting in a significantly altered protein due to either exon skipping, shortening, or inclusion of intronic material. Variants that disrupt the consensus splice site are a relatively common cause of aberrant splicing and loss of MTM1 function. Several computational tools predict a significant impact on normal splicing: Four predict the variant abolishes a 3' acceptor site. However, these predictions have yet to be confirmed by functional studies. The variant was absent in 182106 control chromosomes. To our knowledge, no occurrence of c.529-2A>C in individuals affected with MTM1-related conditions and no experimental evidence demonstrating its impact on protein function have been reported. No submitters have cited clinical-significance assessments for this variant to ClinVar. Based on the evidence outlined above, the variant was classified as likely pathogenic.

NM_000252.3(MTM1):c.529-2A>C

Gene: MTM1 (myotubularin 1; plus strand). Cytogenetic location: Xq28.
Variant type: single nucleotide variant.
Coding change: c.529-2A>C on transcript NM_000252.3 (MANE Select); the canonical splice acceptor site of the intron before coding-DNA position 529, A replaced by C.
Molecular consequence: splice acceptor variant.
Genome position (GRCh38, 1-based): chrX:150,641,267, A>C. VCF-style: chrX-150641267-A-C. GRCh37 (hg19) VCF-style: chrX-149809740-A-C.
Other names: c.529-2A>C (NM_001376908.1, NM_001376906.1); c.418-2A>C (NM_001376907.1).
Identifiers: ClinVar variation 4687172 (VCV004687172.1).